The following is an entry in ClinVar:

NM_001039348.3(EFEMP1):c.695C>A (p.Pro232Gln)

Gene: EFEMP1 (EGF-like fibulin extracellular matrix protein 1; minus strand). Cytogenetic location: 2p16.1.
Variant type: single nucleotide variant.
Coding change: c.695C>A on transcript NM_001039348.3 (MANE Select); coding-DNA position 695, C replaced by A.
Protein change: p.Pro232Gln; replaces proline 232 with glutamine.
Molecular consequence: missense variant.
Genome position (GRCh38, 1-based): chr2:55,877,811, G>T on the plus strand (C>A on the coding strand, the complement: EFEMP1 is on the minus strand). VCF-style: chr2-55877811-G-T. GRCh37 (hg19) VCF-style: chr2-56104946-G-T.
Other names: c.695C>A, p.Pro232Gln (NM_001039349.3); short protein forms P232Q.
Identifiers: ClinVar variation 2124176 (VCV002124176.4), dbSNP rs950717015, ClinGen allele CA48123897.

ClinVar aggregate classification (germline): Uncertain significance (1 of 4 stars; one submission).

Allele frequency attached by ClinVar (database versions not stated): TOPMed 0.00001.
gnomAD v4.1: 3 of 1,613,250 alleles (0.00019%); highest among the groups gnomAD compares: Non-Finnish European, 0.00017%; no homozygotes.

Submission:

Labcorp Genetics (formerly Invitae), Labcorp
Classification: Uncertain significance. Last evaluated: 2023-07-07. Review status: criteria provided, single submitter. Criteria: Invitae Variant Classification Sherloc (09022015). Collection method: clinical testing. Allele origin: germline.
Comment: ClinVar contains an entry for this variant (Variation ID: 2124176). This sequence change replaces proline, which is neutral and non-polar, with glutamine, which is neutral and polar, at codon 232 of the EFEMP1 protein (p.Pro232Gln). This variant is present in population databases (no rsID available, gnomAD 0.0009%). This variant has not been reported in the literature in individuals affected with EFEMP1-related conditions. Advanced modeling of protein sequence and biophysical properties (such as structural, functional, and spatial information, amino acid conservation, physicochemical variation, residue mobility, and thermodynamic stability) performed at Invitae indicates that this missense variant is not expected to disrupt EFEMP1 protein function. In summary, the available evidence is currently insufficient to determine the role of this variant in disease. Therefore, it has been classified as a Variant of Uncertain Significance.